The following is an entry in ClinVar:

NM_000551.4(VHL):c.394C>T (p.Gln132Ter)

Genes: VHL (von Hippel-Lindau tumor suppressor; plus strand), LOC107303340 (3p25 von Hippel-Lindau tumor suppressor, E3 ubiquitin protein ligase Alu-mediated recombination region; plus strand). Cytogenetic location: 3p25.3.
Variant type: single nucleotide variant.
Coding change: c.394C>T on transcript NM_000551.4 (MANE Select); coding-DNA position 394, C replaced by T.
Protein change: p.Gln132Ter; replaces glutamine 132 with a stop codon.
Molecular consequence: nonsense. On other transcripts: intron variant (2).
Genome position (GRCh38, 1-based): chr3:10,146,567, C>T. VCF-style: chr3-10146567-C-T. GRCh37 (hg19) VCF-style: chr3-10188251-C-T.
Other names: c.*18-3220C>T (NM_001354723.2); c.341-3220C>T (NM_198156.3); short protein forms Q132*.
Identifiers: ClinVar variation 288749 (VCV000288749.14), dbSNP rs5030813, ClinGen allele CA10606205.

ClinVar aggregate classification (germline): Pathogenic. Review status: criteria provided, multiple submitters, no conflicts (2 of 4 stars). 4 submissions from 4 submitters: Pathogenic (4). Last evaluated 2025-03-19.

Conditions:
Von Hippel-Lindau syndrome (VHLS). Also called: Von Hippel-Lindau; von Hippel–Lindau syndrome; VHL syndrome. Identifiers: Orphanet 892, MedGen C0019562, MONDO:0008667, OMIM 193300. Disease mechanism: loss of function.
Chuvash polycythemia. Also called: POLYCYTHEMIA, VHL-DEPENDENT. Identifiers: Orphanet 238557, MedGen C1837915, MONDO:0009892, OMIM 263400.

Submissions (4):

GeneDx
Classification: Pathogenic. Last evaluated: 2025-03-19. Review status: criteria provided, single submitter. Criteria: GeneDx Variant Classification Process June 2021. Collection method: clinical testing. Allele origin: germline. Affected: yes.
Comment: Nonsense variant predicted to result in protein truncation or nonsense mediated decay in a gene for which loss of function is a known mechanism of disease; Not observed at significant frequency in large population cohorts (gnomAD); Also known as c.607C>T, p.(Q203*); This variant is associated with the following publications: (PMID: 29871882, 27146902, 28900252, 30851333, 29491307, 28984303, 29748190, 20151405, 11409863, 8707293, 10761708, 33720516, 36905328, 34923986)

Labcorp Genetics (formerly Invitae), Labcorp
Classification: Pathogenic for Von Hippel-Lindau syndrome; Chuvash polycythemia. Last evaluated: 2024-01-13. Review status: criteria provided, single submitter. Criteria: Invitae Variant Classification Sherloc (09022015). Collection method: clinical testing. Allele origin: germline.
Comment: This sequence change creates a premature translational stop signal (p.Gln132*) in the VHL gene. It is expected to result in an absent or disrupted protein product. Loss-of-function variants in VHL are known to be pathogenic (PMID: 8956040, 12202531). This variant is not present in population databases (gnomAD no frequency). This premature translational stop signal has been observed in individual(s) with von Hippel-Lindau syndrome (PMID: 8707293). This variant is also known as c.607C>T. ClinVar contains an entry for this variant (Variation ID: 288749). Algorithms developed to predict the effect of sequence changes on RNA splicing suggest that this variant may disrupt the consensus splice site. For these reasons, this variant has been classified as Pathogenic.

Genomic Diagnostic Laboratory, Division of Genomic Diagnostics, Children's Hospital of Philadelphia
Classification: Pathogenic for von Hippel-Lindau syndrome. Last evaluated: 2018-08-01. Review status: criteria provided, single submitter. Criteria: DGD Variant Analysis Guidelines. Collection method: clinical testing. Allele origin: germline. Observed: 1 variant allele.

Eurofins Ntd Llc (ga)
Classification: Pathogenic. Last evaluated: 2016-06-30. Review status: criteria provided, single submitter. Criteria: EGL Classification Definitions 2015. Collection method: clinical testing. Allele origin: germline. Observed: 1 variant allele, 1 heterozygote.

Literature cited by the submitters: PubMed 8956040 (cited by Labcorp Genetics (formerly Invitae), Labcorp); PubMed 12202531 (cited by Labcorp Genetics (formerly Invitae), Labcorp); PubMed 8707293 (cited by Labcorp Genetics (formerly Invitae), Labcorp).